The following is an entry in ClinVar:

NM_020822.3(KCNT1):c.1626A>G (p.Gly542=)

Gene: KCNT1 (potassium sodium-activated channel subfamily T member 1; plus strand). Cytogenetic location: 9q34.3.
Variant type: single nucleotide variant.
Coding change: c.1626A>G on transcript NM_020822.3 (MANE Select); coding-DNA position 1626, A replaced by G.
Protein change: p.Gly542=; no amino-acid change (glycine 542 retained).
Molecular consequence: synonymous variant.
Genome position (GRCh38, 1-based): chr9:135,770,304, A>G. VCF-style: chr9-135770304-A-G. GRCh37 (hg19) VCF-style: chr9-138662150-A-G.
Other names: c.1491A>G, p.Gly497= (NM_001272003.2).
Identifiers: ClinVar variation 382936 (VCV000382936.24), dbSNP rs537431085, ClinGen allele CA5327013.
Genomic context (GRCh38, chr9:135,770,304, plus strand): 5'-AAGGGGCAGCCATGGCCGAGGGTGACGCTCCCCTGGCCCCGCCCTGGCCCACAGGGAGGG[A>G]CAGGAGTCTCCGGAGCAGTGGCAGCGCATGTATGGGCGCTGCTCCGGCAACGAGGTGTAC-3'
Protein context (NP_065873.2, residues 532-552): LLVHTSRGQE[Gly542=]QESPEQWQRM

ClinVar aggregate classification (germline): Benign/Likely benign. Review status: criteria provided, multiple submitters, no conflicts (2 of 4 stars). 8 submissions from 7 submitters: Benign (3); Likely benign (4). 1 of the submissions does not count toward it. Last evaluated 2026-07-01.

Conditions:
Developmental and epileptic encephalopathy, 14 (DEE14). Also called: Early infantile epileptic encephalopathy 14. Identifiers: Orphanet 293181, MedGen C3554195, MONDO:0013989, OMIM 614959.
Autosomal dominant nocturnal frontal lobe epilepsy 5. Also called: Epilepsy, nocturnal frontal lobe, 5; KCNT1-Related Epilepsy; CILIARY DYSKINESIA, PRIMARY, 28, WITHOUT SITUS INVERSUS; CILIARY DYSKINESIA, PRIMARY, 28, WITH SITUS INVERSUS. Identifiers: Orphanet 98784, MedGen C3554306, MONDO:0014002, OMIM 615005.
KCNT1-related disorder. Also called: KCNT1-related condition.
Inborn genetic diseases. Identifiers: MedGen C0950123, MeSH D030342.

Allele frequency attached by ClinVar (database versions not stated): ExAC 0.00052; gnomAD exomes 0.00053 and 0.00010; gnomAD 0.00006 and 0.00007; 1000 Genomes Project 30x 0.00016; TOPMed 0.00019; 1000 Genomes Project 0.00020.
gnomAD v4.1: 150 of 1,600,268 alleles (0.0094%); highest among the groups gnomAD compares: Admixed American, 0.24%; 1 homozygote.

Submissions (8):

CeGaT Center for Human Genetics Tuebingen
Classification: Likely benign. Last evaluated: 2026-07-01. Review status: criteria provided, single submitter. Criteria: CeGaT Center For Human Genetics Tuebingen Variant Classification Criteria Version 2. Collection method: clinical testing. Allele origin: germline. Affected: yes. Observed: 1 variant allele.
Comment: KCNT1: BP4, BP7

Labcorp Genetics (formerly Invitae), Labcorp
Classification: Benign for Autosomal dominant nocturnal frontal lobe epilepsy 5; Developmental and epileptic encephalopathy, 14. Last evaluated: 2026-01-28. Review status: criteria provided, single submitter. Criteria: Invitae Variant Classification Sherloc (09022015). Collection method: clinical testing. Allele origin: germline.

Athena Diagnostics
Classification: Benign. Last evaluated: 2024-10-01. Review status: criteria provided, single submitter. Criteria: Athena Diagnostics Criteria. Collection method: clinical testing. Allele origin: unknown.

Genome-Nilou Lab
Classification: Benign for Developmental and epileptic encephalopathy, 14. Last evaluated: 2022-03-15. Review status: criteria provided, single submitter. Criteria: ACMG Guidelines, 2015. Collection method: clinical testing. Allele origin: germline. Affected: no.

Genome-Nilou Lab
Classification: Likely benign for Autosomal dominant nocturnal frontal lobe epilepsy 5. Last evaluated: 2022-03-15. Review status: criteria provided, single submitter. Criteria: ACMG Guidelines, 2015. Collection method: clinical testing. Allele origin: germline. Affected: no.

GeneDx
Classification: Likely benign. Last evaluated: 2020-04-20. Review status: criteria provided, single submitter. Criteria: GeneDx Variant Classification Process June 2021. Collection method: clinical testing. Allele origin: germline. Affected: yes.

Ambry Genetics
Classification: Likely benign for Inborn genetic diseases. Last evaluated: 2016-08-17. Review status: criteria provided, single submitter. Criteria: Ambry Variant Classification Scheme 2023. Collection method: clinical testing. Allele origin: germline.

PreventionGenetics, part of Exact Sciences
Classification: Likely benign for KCNT1-related condition. Last evaluated: 2020-02-04. Review status: no assertion criteria provided. Collection method: clinical testing. Allele origin: germline. Not counted in ClinVar's aggregate classification.
Comment: This variant is classified as likely benign based on ACMG/AMP sequence variant interpretation guidelines (Richards et al. 2015 PMID: 25741868, with internal and published modifications).